The following is an entry in ClinVar:

NM_000059.4(BRCA2):c.7944C>T (p.Ser2648=)

Gene: BRCA2 (BRCA2 DNA repair associated; plus strand). Cytogenetic location: 13q13.1.
Variant type: single nucleotide variant.
Coding change: c.7944C>T on transcript NM_000059.4 (MANE Select); coding-DNA position 7944, C replaced by T.
Protein change: p.Ser2648=; no amino-acid change (serine 2648 retained).
Molecular consequence: synonymous variant.
Genome position (GRCh38, 1-based): chr13:32,362,661, C>T. VCF-style: chr13-32362661-C-T. GRCh37 (hg19) VCF-style: chr13-32936798-C-T.
Identifiers: ClinVar variation 427408 (VCV000427408.12), dbSNP rs1131692131, ClinGen allele CA483261009.

ClinVar aggregate classification (germline): Likely benign. Review status: reviewed by expert panel (3 of 4 stars). 2 submissions from 2 submitters: Likely benign (1). 1 of the submissions does not count toward it. Last evaluated 2017-06-29.

Conditions:
Breast-ovarian cancer, familial, susceptibility to, 2 (BROVCA2). Also called: BRCA2 Hereditary Breast and Ovarian Cancer. Identifiers: Orphanet 145, MedGen C2675520, MONDO:0012933, OMIM 612555. Disease mechanism: loss of function.
Hereditary breast ovarian cancer syndrome. Also called: Hereditary breast and ovarian cancer syndrome; BRCA1- and BRCA2-Associated Hereditary Breast and Ovarian Cancer; Hereditary breast and/or ovarian cancer syndrome; Hereditary breast and ovarian cancer; Breast and ovarian cancer; Hereditary breast and ovarian cancer syndrome (HBOC). Identifiers: Orphanet 145, MedGen C0677776, MeSH D061325, MONDO:0003582. Disease mechanism: loss of function.

Submissions (2):

Evidence-based Network for the Interpretation of Germline Mutant Alleles (ENIGMA)
Classification: Likely benign for Breast-ovarian cancer, familial, susceptibility to, 2. Last evaluated: 2017-06-29. Review status: reviewed by expert panel. Criteria: ENIGMA BRCA1/2 Classification Criteria (2017-06-29). Collection method: curation. Allele origin: germline.
Comment: Synonymous substitution variant, with low bioinformatic likelihood to result in a splicing aberration (Splicing prior probability 0.02).

Labcorp Genetics (formerly Invitae), Labcorp
Classification: Likely benign for Hereditary breast ovarian cancer syndrome. Last evaluated: 2019-06-13. Review status: criteria provided, single submitter. Criteria: Invitae Variant Classification Sherloc (09022015). Collection method: clinical testing. Allele origin: germline. Not counted in ClinVar's aggregate classification.